The following is an entry in ClinVar:

ClinVar aggregate classification (germline): Uncertain significance (1 of 4 stars; one submission).

Submission:

GeneDx
Classification: Uncertain significance. Last evaluated: 2019-12-31. Review status: criteria provided, single submitter. Criteria: GeneDx Variant Classification Process June 2021. Collection method: clinical testing. Allele origin: germline. Affected: yes.
Comment: Not observed in large population cohorts (Lek et al., 2016); In silico analysis, which includes protein predictors and evolutionary conservation, supports a deleterious effect; Has not been previously published as pathogenic or benign to our knowledge

NM_001128840.3(CACNA1D):c.3671T>C (p.Met1224Thr)

Gene: CACNA1D (calcium voltage-gated channel subunit alpha1 D; plus strand). Cytogenetic location: 3p21.1.
Variant type: single nucleotide variant.
Coding change: c.3671T>C on transcript NM_001128840.3 (MANE Select); coding-DNA position 3671, T replaced by C.
Protein change: p.Met1224Thr; replaces methionine 1224 with threonine.
Molecular consequence: missense variant.
Genome position (GRCh38, 1-based): chr3:53,751,903, T>C. VCF-style: chr3-53751903-T-C. GRCh37 (hg19) VCF-style: chr3-53785930-T-C.
Other names: c.3731T>C, p.Met1244Thr (NM_000720.4); c.3671T>C, p.Met1224Thr (NM_001128839.3); short protein forms M1224T, M1244T.
Identifiers: ClinVar variation 1311704 (VCV001311704.2), dbSNP rs2108881563, ClinGen allele CA353251005.